The following is an entry in ClinVar:

ClinVar aggregate classification (germline): Uncertain significance. Review status: criteria provided, multiple submitters, no conflicts (2 of 4 stars). 4 submissions from 3 submitters: Uncertain significance (2). 2 of the submissions do not count toward it. Last evaluated 2026-09-08.

Conditions:
Fabry disease. Also called: ALPHA-GALACTOSIDASE A DEFICIENCY; ANDERSON-FABRY DISEASE; CERAMIDE TRIHEXOSIDASE DEFICIENCY; Fabry's disease; Angiokeratoma corporis diffusum; Ceramide trihexosidosis. Identifiers: Orphanet 324, MedGen C0002986, MONDO:0010526, OMIM 301500, HP:0001071. Disease mechanism: loss of function, Fabry disease is due to inactivating mutations in the X-linked GLA gene resulting in deficiency of the enzyme Alpha Galactosidase-A..
Migalastat response. Also called: 1-Deoxygalactonojirimycin response; Galafold response. Identifiers: MedGen CN233149.

Submissions (4):

Genomenon, Inc
Classification: Uncertain significance for Fabry disease. Last evaluated: 2026-09-08. Review status: criteria provided, single submitter. Criteria: Genomenon Sequence Variant Interpretation Standards - Updated. Collection method: curation. Allele origin: germline. Affected: yes.
Comment: GLA p.Gly375Ala (c.1124G>C) is a missense variant that changes the amino acid at codon 375 from Glycine to Alanine. This variant has been observed in at least one proband with clinical features consistent with Fabry disease (PMID:26415523). Functional or patient cell studies have been reported (PMID:26415523). It is absent or not present at a significant frequency in gnomAD. In conclusion, we classify GLA p.Gly375Ala (c.1124G>C) as a variant of uncertain significance.

Labcorp Genetics (formerly Invitae), Labcorp
Classification: Uncertain significance for Fabry disease. Last evaluated: 2020-04-01. Review status: criteria provided, single submitter. Criteria: Invitae Variant Classification Sherloc (09022015). Collection method: clinical testing. Allele origin: germline.
Comment: This variant has been observed in individual(s) with Fabry disease (PMID: 26415523, Invitae). ClinVar contains an entry for this variant (Variation ID: 217412). This variant is not present in population databases (ExAC no frequency). This variant has been reported to affect GLA protein function (PMID: 26415523). In summary, the available evidence is currently insufficient to determine the role of this variant in disease. Therefore, it has been classified as a Variant of Uncertain Significance. This variant disrupts the p.Gly375 amino acid residue in GLA. Other variant(s) that disrupt this residue have been observed in individuals with GLA-related conditions (PMID: 29019163), which suggests that this may be a clinically significant amino acid residue. This sequence change replaces glycine with alanine at codon 375 of the GLA protein (p.Gly375Ala). The glycine residue is highly conserved and there is a small physicochemical difference between glycine and alanine.

Albrecht-Kossel-Institute, Medical University Rostock
Classification: Likely pathogenic for Fabry's disease. Last evaluated: 2014-01-01. Review status: no assertion criteria provided. Collection method: research. Allele origin: inherited. Not counted in ClinVar's aggregate classification.

Albrecht-Kossel-Institute, Medical University Rostock
Classification: drug response for deoxygalactonojirimycin response. Last evaluated: 2014-01-01. Review status: no assertion criteria provided. Collection method: research. Allele origin: inherited. Not counted in ClinVar's aggregate classification.

Literature cited by the submitters: PubMed 26415523 (cited by 3 submitters); PubMed 29019163 (cited by Labcorp Genetics (formerly Invitae), Labcorp).

NM_000169.3(GLA):c.1124G>C (p.Gly375Ala)

Genes: GLA (galactosidase alpha; minus strand), RPL36A-HNRNPH2 (RPL36A-HNRNPH2 readthrough; plus strand). Cytogenetic location: Xq22.1.
Variant type: single nucleotide variant.
Coding change: c.1124G>C on transcript NM_000169.3 (MANE Select); coding-DNA position 1124, G replaced by C.
Protein change: p.Gly375Ala; replaces glycine 375 with alanine.
Molecular consequence: missense variant. On other transcripts: non-coding transcript variant (3), intron variant (2).
Genome position (GRCh38, 1-based): chrX:101,397,975, C>G on the plus strand (G>C on the coding strand, the complement: GLA is on the minus strand). VCF-style: chrX-101397975-C-G. GRCh37 (hg19) VCF-style: chrX-100652963-C-G.
Other names: c.1247G>C, p.Gly416Ala (NM_001406747.1); c.300+2518C>G (NM_001199973.2); c.177+6153C>G (NM_001199974.2); short protein forms G375A, G416A.
Identifiers: ClinVar variation 217412 (VCV000217412.10), dbSNP rs869312164, ClinGen allele CA353170.